The following is an entry in ClinVar:

ClinVar aggregate classification (germline): Uncertain significance. Review status: criteria provided, multiple submitters, no conflicts (2 of 4 stars). 3 submissions from 3 submitters: Uncertain significance (3). Last evaluated 2024-03-14.

Conditions:
LAMA4-related disorder. Also called: LAMA4-related condition.
Cardiovascular phenotype. Identifiers: MedGen CN230736.
Dilated cardiomyopathy 1JJ (CMD1JJ). Identifiers: Orphanet 154, MedGen C3808935, MONDO:0014095, OMIM 615235.

Allele frequency attached by ClinVar (database versions not stated): gnomAD exomes below 0.00001; gnomAD 0.00001; TOPMed 0.00002.
gnomAD v4.1: 4 of 1,613,642 alleles (0.00025%); highest among the groups gnomAD compares: African/African-American, 0.0053%; no homozygotes.

Submissions (3):

Ambry Genetics
Classification: Uncertain significance for Cardiovascular phenotype. Last evaluated: 2024-03-14. Review status: criteria provided, single submitter. Criteria: Ambry Variant Classification Scheme 2023. Collection method: clinical testing. Allele origin: germline.
Comment: The p.T1514I variant (also known as c.4541C>T), located in coding exon 32 of the LAMA4 gene, results from a C to T substitution at nucleotide position 4541. The threonine at codon 1514 is replaced by isoleucine, an amino acid with similar properties. This amino acid position is not well conserved in available vertebrate species. In addition, the in silico prediction for this alteration is inconclusive. Since supporting evidence is limited at this time, the clinical significance of this alteration remains unclear.

PreventionGenetics, part of Exact Sciences
Classification: Uncertain significance for LAMA4-related condition. Last evaluated: 2023-01-20. Review status: criteria provided, single submitter. Criteria: ACMG Guidelines, 2015. Collection method: clinical testing. Allele origin: germline.
Comment: The LAMA4 c.4541C>T variant is predicted to result in the amino acid substitution p.Thr1514Ile. To our knowledge, this variant has not been reported in the literature. This variant is reported in 0.0062% of alleles in individuals of African descent in gnomAD. At this time, the clinical significance of this variant is uncertain due to the absence of conclusive functional and genetic evidence.

Labcorp Genetics (formerly Invitae), Labcorp
Classification: Uncertain significance for Dilated cardiomyopathy 1JJ. Last evaluated: 2022-04-27. Review status: criteria provided, single submitter. Criteria: Invitae Variant Classification Sherloc (09022015). Collection method: clinical testing. Allele origin: germline.
Comment: This sequence change replaces threonine, which is neutral and polar, with isoleucine, which is neutral and non-polar, at codon 1514 of the LAMA4 protein (p.Thr1514Ile). This variant is present in population databases (no rsID available, gnomAD 0.007%). This variant has not been reported in the literature in individuals affected with LAMA4-related conditions. Algorithms developed to predict the effect of missense changes on protein structure and function are either unavailable or do not agree on the potential impact of this missense change (SIFT: "Deleterious"; PolyPhen-2: "Possibly Damaging"; Align-GVGD: "Class C0"). In summary, the available evidence is currently insufficient to determine the role of this variant in disease. Therefore, it has been classified as a Variant of Uncertain Significance.

NM_001105206.3(LAMA4):c.4562C>T (p.Thr1521Ile)

Gene: LAMA4 (laminin subunit alpha 4; minus strand). Cytogenetic location: 6q21.
Variant type: single nucleotide variant.
Coding change: c.4562C>T on transcript NM_001105206.3 (MANE Select); coding-DNA position 4562, C replaced by T.
Protein change: p.Thr1521Ile; replaces threonine 1521 with isoleucine.
Molecular consequence: missense variant.
Genome position (GRCh38, 1-based): chr6:112,120,386, G>A on the plus strand (C>T on the coding strand, the complement: LAMA4 is on the minus strand). VCF-style: chr6-112120386-G-A. GRCh37 (hg19) VCF-style: chr6-112441589-G-A.
Other names: c.4541C>T (NM_002290.4); c.4541C>T, p.Thr1514Ile (NM_001105207.3, NM_002290.5); short protein forms T1521I, T1514I.
Identifiers: ClinVar variation 1741364 (VCV001741364.8), dbSNP rs1381286787, ClinGen allele CA365369649.